The following is an entry in ClinVar:

NM_018706.7(DHTKD1):c.74A>C (p.Gln25Pro)

Gene: DHTKD1 (dehydrogenase E1 and transketolase domain containing 1; plus strand). Cytogenetic location: 10p14.
Variant type: single nucleotide variant.
Coding change: c.74A>C on transcript NM_018706.7 (MANE Select); coding-DNA position 74, A replaced by C.
Protein change: p.Gln25Pro; replaces glutamine 25 with proline.
Molecular consequence: missense variant.
Genome position (GRCh38, 1-based): chr10:12,069,107, A>C. VCF-style: chr10-12069107-A-C. GRCh37 (hg19) VCF-style: chr10-12111106-A-C.
Other names: short protein forms Q25P.
Identifiers: ClinVar variation 3694686 (VCV003694686.2).

ClinVar aggregate classification (germline): Uncertain significance (1 of 4 stars; one submission).

Conditions:
2-aminoadipic 2-oxoadipic aciduria (AAKAD). Also called: Aminoadipic aciduria; ALPHA-AMINOADIPIC AND ALPHA-KETOADIPIC ACIDURIA. Identifiers: Orphanet 79154, MedGen C1859817, MONDO:0008774, OMIM 204750.

Submission:

Labcorp Genetics (formerly Invitae), Labcorp
Classification: Uncertain significance for 2-aminoadipic 2-oxoadipic aciduria. Last evaluated: 2024-05-20. Review status: criteria provided, single submitter. Criteria: Invitae Variant Classification Sherloc (09022015). Collection method: clinical testing. Allele origin: germline.
Comment: This sequence change replaces glutamine, which is neutral and polar, with proline, which is neutral and non-polar, at codon 25 of the DHTKD1 protein (p.Gln25Pro). This variant is not present in population databases (gnomAD no frequency). This variant has not been reported in the literature in individuals affected with DHTKD1-related conditions. An algorithm developed to predict the effect of missense changes on protein structure and function (PolyPhen-2) suggests that this variant is likely to be tolerated. In summary, the available evidence is currently insufficient to determine the role of this variant in disease. Therefore, it has been classified as a Variant of Uncertain Significance.